The following is an entry in ClinVar:

ClinVar aggregate classification (germline): Likely pathogenic (1 of 4 stars; one submission).

Submission:

Labcorp Genetics (formerly Invitae), Labcorp
Classification: Likely pathogenic. Last evaluated: 2022-05-15. Review status: criteria provided, single submitter. Criteria: Invitae Variant Classification Sherloc (09022015). Collection method: clinical testing. Allele origin: germline.
Comment: This variant has not been reported in the literature in individuals affected with USH1C-related conditions. Algorithms developed to predict the effect of sequence changes on RNA splicing suggest that this variant may disrupt the consensus splice site. In summary, the currently available evidence indicates that the variant is pathogenic, but additional data are needed to prove that conclusively. Therefore, this variant has been classified as Likely Pathogenic. This variant is not present in population databases (gnomAD no frequency). This sequence change affects an acceptor splice site in intron 8 of the USH1C gene. It is expected to disrupt RNA splicing. Variants that disrupt the donor or acceptor splice site typically lead to a loss of protein function (PMID: 16199547), and loss-of-function variants in USH1C are known to be pathogenic (PMID: 10973247, 17407589, 20301442, 21203349).

Literature cited by the submitters: PubMed 16199547; PubMed 10973247; PubMed 17407589; PubMed 20301442; PubMed 21203349.

NM_153676.4(USH1C):c.675-1G>T

Gene: USH1C (USH1 protein network component harmonin; minus strand). Cytogenetic location: 11p15.1.
Variant type: single nucleotide variant.
Coding change: c.675-1G>T on transcript NM_153676.4 (MANE Select); the canonical splice acceptor site of the intron before coding-DNA position 675, G replaced by T.
Molecular consequence: splice acceptor variant.
Genome position (GRCh38, 1-based): chr11:17,524,536, C>A on the plus strand (G>T on the coding strand, the complement: USH1C is on the minus strand). VCF-style: chr11-17524536-C-A. GRCh37 (hg19) VCF-style: chr11-17546083-C-A.
Other names: c.675-1G>T (NM_001297764.2, NM_005709.4).
Identifiers: ClinVar variation 1994985 (VCV001994985.4), dbSNP rs2497171137, ClinGen allele CA379791406.
Genomic context (GRCh38, chr11:17,524,536, plus strand): 5'-GAGCCAGGTTTCACATGGCTGATAAAGATGCCAGGCTTCTGGATGGGGCCGCTGGAAATG[C>A]TGCGGGAGGTGGGAAATGTGTGCTCGGGATTCAGGTAACCCATGTCCAGTGCTCAGGATA-3'